The following is an entry in ClinVar:

ClinVar aggregate classification (germline): Likely benign (0 of 4 stars; one submission).

Conditions:
NCOA1-related disorder. Also called: NCOA1-related condition.

Allele frequency attached by ClinVar (database versions not stated): TOPMed 0.00003; gnomAD 0.00006; gnomAD exomes 0.00006; ExAC 0.00021; 1000 Genomes Project 30x 0.00031; 1000 Genomes Project 0.00040.
gnomAD v4.1: 93 of 1,573,364 alleles (0.0059%); highest among the groups gnomAD compares: South Asian, 0.081%; 1 homozygote.

Submission:

PreventionGenetics, part of Exact Sciences
Classification: Likely benign for NCOA1-related condition. Last evaluated: 2024-02-14. Review status: no assertion criteria provided. Collection method: clinical testing. Allele origin: germline.
Comment: This variant is classified as likely benign based on ACMG/AMP sequence variant interpretation guidelines (Richards et al. 2015 PMID: 25741868, with internal and published modifications).

NM_003743.5(NCOA1):c.276C>T (p.Asp92=)

Gene: NCOA1 (nuclear receptor coactivator 1; plus strand). Cytogenetic location: 2p23.3.
Variant type: single nucleotide variant.
Coding change: c.276C>T on transcript NM_003743.5 (MANE Select); coding-DNA position 276, C replaced by T.
Protein change: p.Asp92=; no amino-acid change (aspartic acid 92 retained).
Molecular consequence: synonymous variant.
Genome position (GRCh38, 1-based): chr2:24,673,385, C>T. VCF-style: chr2-24673385-C-T. GRCh37 (hg19) VCF-style: chr2-24896254-C-T.
Other names: c.276C>T, p.Asp92= (NM_001362950.1, NM_001362952.1, NM_001362954.1 and 3 more transcripts).
Identifiers: ClinVar variation 3041101 (VCV003041101.2), dbSNP rs542918488, ClinGen allele CA1551979.